The following is an entry in ClinVar:

ClinVar aggregate classification (germline): Likely benign (1 of 4 stars; one submission).

Allele frequency attached by ClinVar (database versions not stated): TOPMed 0.00009; gnomAD 0.00023; gnomAD exomes 0.00034; ExAC 0.00077; 1000 Genomes Project 0.00200; 1000 Genomes Project 30x 0.00203.
gnomAD v4.1: 529 of 1,613,756 alleles (0.033%); highest among the groups gnomAD compares: South Asian, 0.51%; 3 homozygotes.

Submission:

CeGaT Center for Human Genetics Tuebingen
Classification: Likely benign. Last evaluated: 2024-01-01. Review status: criteria provided, single submitter. Criteria: CeGaT Center For Human Genetics Tuebingen Variant Classification Criteria Version 2. Collection method: clinical testing. Allele origin: germline. Affected: yes. Observed: 1 variant allele.
Comment: TNRC6B: BS1

NM_001162501.2(TNRC6B):c.2206C>T (p.Arg736Cys)

Gene: TNRC6B (trinucleotide repeat containing adaptor 6B; plus strand). Cytogenetic location: 22q13.1.
Variant type: single nucleotide variant.
Coding change: c.2206C>T on transcript NM_001162501.2 (MANE Select); coding-DNA position 2206, C replaced by T.
Protein change: p.Arg736Cys; replaces arginine 736 with cysteine.
Molecular consequence: missense variant. On other transcripts: intron variant (1).
Genome position (GRCh38, 1-based): chr22:40,266,436, C>T. VCF-style: chr22-40266436-C-T. GRCh37 (hg19) VCF-style: chr22-40662440-C-T.
Other names: c.2206C>T, p.Arg736Cys (NM_015088.3); c.566-3686C>T (NM_001024843.2); short protein forms R736C.
Identifiers: ClinVar variation 3025427 (VCV003025427.22), dbSNP rs570227678, ClinGen allele CA10246800.